The following is an entry in ClinVar:

NM_000091.5(COL4A3):c.4734G>A (p.Trp1578Ter)

Genes: MFF-DT (MFF divergent transcript; minus strand), COL4A3 (collagen type IV alpha 3 chain; plus strand). Cytogenetic location: 2q36.3.
Variant type: single nucleotide variant.
Coding change: c.4734G>A on transcript NM_000091.5 (MANE Select); coding-DNA position 4734, G replaced by A.
Protein change: p.Trp1578Ter; replaces tryptophan 1578 with a stop codon.
Molecular consequence: nonsense.
Genome position (GRCh38, 1-based): chr2:227,309,297, G>A. VCF-style: chr2-227309297-G-A. GRCh37 (hg19) VCF-style: chr2-228174013-G-A.
Other names: short protein forms W1578*.
Identifiers: ClinVar variation 5013722 (VCV005013722.1).

ClinVar aggregate classification (germline): Pathogenic (1 of 4 stars; one submission).

Conditions:
Alport syndrome. Also called: Hemorrhagic familial nephritis; Hemorrhagic hereditary nephritis; Congenital hereditary hematuria. Identifiers: Orphanet 63, MedGen C1567741, MONDO:0018965.

gnomAD v4.1: 1 of 1,614,018 alleles (0.000062%); highest among the groups gnomAD compares: Non-Finnish European, 0.000085%; no homozygotes.

Submission:

Myriad Genetics, Inc.
Classification: Pathogenic for Alport syndrome. Last evaluated: 2024-11-07. Review status: criteria provided, single submitter. Criteria: Myriad Autosomal Dominant, Autosomal Recessive and X-Linked Classification Criteria (2023). Collection method: clinical testing. Allele origin: unknown.
Comment: NM_000091.4(COL4A3):c.4734G>A(W1578*) is expected to be pathogenic in the context of Alport syndrome, COL4A3-related. This variant is predicted to lead to an abnormal or absent protein product due to the creation of a premature termination codon in COL4A3, a gene where loss-of-function variants are known to be pathogenic. Please note: this variant was assessed in the context of healthy population screening.